The following is an entry in ClinVar:

ClinVar aggregate classification (germline): Pathogenic (0 of 4 stars; one submission).

Conditions:
Achromatopsia 3 (ACHM3). Also called: PINGELAPESE BLINDNESS; TOTAL COLORBLINDNESS WITH MYOPIA; ROD MONOCHROMACY 1; ROD MONOCHROMATISM 1; ACHROMATOPSIA WITH MYOPIA. Identifiers: Orphanet 49382, MedGen C1849792, MONDO:0009875, OMIM 262300.

Submission:

Molecular Genetics Laboratory, Institute for Ophthalmic Research
Classification: Pathogenic for ACHM3. Last evaluated: 2017-03-27. Review status: no assertion criteria provided. Collection method: research. Allele origin: germline. Affected: yes.
Comment: Tandem duplication of exon 7

Literature cited by the submitters: PubMed 28795510.

NM_019098.4(CNGB3):c.852+4013_903+1698dup

Gene: CNGB3 (cyclic nucleotide gated channel subunit beta 3; minus strand). Cytogenetic location: 8q21.3.
Variant type: Duplication.
Coding change: c.852+4013_903+1698dup on transcript NM_019098.4; 4013 bases into the intron after coding-DNA position 852 through 1698 bases into the intron after coding-DNA position 903, this stretch duplicated.
Identifiers: ClinVar variation 427717 (VCV000427717.1).